The following is an entry in ClinVar:

NM_001035.3(RYR2):c.7106del (p.Ser2369fs)

Gene: RYR2 (ryanodine receptor 2; plus strand). Cytogenetic location: 1q43.
Variant type: Deletion.
Coding change: c.7106del on transcript NM_001035.3 (MANE Select); coding-DNA position 7106, one base deleted (G; older notation c.7106delG).
Protein change: p.Ser2369fs; shifts the reading frame from serine 2369.
Molecular consequence: frameshift variant.
Genome position (GRCh38, 1-based): chr1:237,639,192, G deleted. VCF-style (leftmost placement, unchanged base first): chr1-237639191-AG-A. GRCh37 (hg19) VCF-style: chr1-237802491-AG-A.
Other names: short protein forms S2369fs.
Identifiers: ClinVar variation 3371513 (VCV003371513.1).
Genomic context (GRCh38, chr1:237,639,191, plus strand): 5'-GAAGCCATCAAAATCGCCGAGGATCCTTCCCGAGATGGTCCCTCACCAAATAGCGGATCC[AG>A]TAAAACACTGTAGGTCTAATATACACACCCTCACGAGTGATCCATACTACTTGATGTGAA-3'

ClinVar aggregate classification (germline): Uncertain significance (1 of 4 stars; one submission).

Submission:

GeneDx
Classification: Uncertain significance. Last evaluated: 2024-04-01. Review status: criteria provided, single submitter. Criteria: GeneDx Variant Classification Process June 2021. Collection method: clinical testing. Allele origin: germline. Affected: yes.
Comment: Not observed at significant frequency in large population cohorts (gnomAD); Frameshift variant predicted to result in protein truncation or nonsense mediated decay in a gene or region of a gene for which loss of function is not a well-established mechanism of disease; Has not been previously published as pathogenic or benign to our knowledge